The following is an entry in ClinVar:

ClinVar aggregate classification (germline): Pathogenic. Review status: criteria provided, multiple submitters, no conflicts (2 of 4 stars). 2 submissions from 2 submitters: Pathogenic (2). Last evaluated 2025-08-03.

Conditions:
Neurodevelopmental disorder with impaired speech and hyperkinetic movements. Identifiers: MedGen C5193088, MONDO:0032741, OMIM 618425.

gnomAD v4.1: 8 of 1,607,918 alleles (0.0005%); highest among the groups gnomAD compares: African/African-American, 0.0013%; no homozygotes.

Submissions (2):

GeneDx
Classification: Pathogenic. Last evaluated: 2025-08-03. Review status: criteria provided, single submitter. Criteria: GeneDx Variant Classification Process June 2021. Collection method: clinical testing. Allele origin: germline.
Comment: Nonsense variant predicted to result in protein truncation or nonsense mediated decay in a gene for which loss of function is a known mechanism of disease; This variant is associated with the following publications: (PMID: 35616059, 37496384, 40692464)

Tumer Group, Copenhagen University Hospital, Rigshospitalet
Classification: Pathogenic for Neurodevelopmental disorder with impaired speech and hyperkinetic movements. Last evaluated: 2025-04-15. Review status: criteria provided, single submitter. Criteria: ACMG Guidelines, 2015. Collection method: research. Allele origin: maternal. Affected: yes.

NM_001379659.1(ZNF142):c.4630C>T (p.Arg1544Ter)

Gene: ZNF142 (zinc finger protein 142; minus strand). Cytogenetic location: 2q35.
Variant type: single nucleotide variant.
Coding change: c.4630C>T on transcript NM_001379659.1 (MANE Select); coding-DNA position 4630, C replaced by T.
Protein change: p.Arg1544Ter; replaces arginine 1544 with a stop codon.
Molecular consequence: nonsense.
Genome position (GRCh38, 1-based): chr2:218,642,486, G>A on the plus strand (C>T on the coding strand, the complement: ZNF142 is on the minus strand). VCF-style: chr2-218642486-G-A. GRCh37 (hg19) VCF-style: chr2-219507209-G-A.
Other names: c.4030C>T, p.Arg1344Ter (NM_001105537.5, NM_001366291.3, NM_001379662.1); c.3541C>T, p.Arg1181Ter (NM_001366287.3, NM_001366288.3, NM_001366289.3); c.4630C>T, p.Arg1544Ter (NM_001366290.3, NM_001379660.1, NM_001379661.1); short protein forms R1181*, R1344*, R1544*.
Identifiers: ClinVar variation 3342865 (VCV003342865.3).